The following is an entry in ClinVar:

ClinVar aggregate classification (germline): Benign (1 of 4 stars; one submission).

Allele frequency attached by ClinVar (database versions not stated): gnomAD 0.73425 and 0.73477; 1000 Genomes Project 0.73522; TOPMed 0.73656; 1000 Genomes Project 30x 0.74063.
gnomAD v4.1: 111,715 of 152,116 alleles (73%); highest among the groups gnomAD compares: African/African-American, 78%; 41,111 homozygotes.

Submission:

GeneDx
Classification: Benign. Last evaluated: 2021-02-24. Review status: criteria provided, single submitter. Criteria: GeneDx Variant Classification Process June 2021. Collection method: clinical testing. Allele origin: germline. Affected: yes.
Comment: This variant is associated with the following publications: (PMID: 32950810)

NM_004113.6(FGF12):c.14-49179T>C

Gene: FGF12 (fibroblast growth factor 12; minus strand). Cytogenetic location: 3q28.
Variant type: single nucleotide variant.
Coding change: c.14-49179T>C on transcript NM_004113.6 (MANE Select); 49179 bases into the intron before coding-DNA position 14, T replaced by C.
Molecular consequence: intron variant.
Genome position (GRCh38, 1-based): chr3:192,409,717, A>G on the plus strand (T>C on the coding strand, the complement: FGF12 is on the minus strand). VCF-style: chr3-192409717-A-G. GRCh37 (hg19) VCF-style: chr3-192127506-A-G.
Other names: c.-59-49179T>C (NM_001377293.1); c.14-74253T>C (NM_001377292.1).
Identifiers: ClinVar variation 1277711 (VCV001277711.1), dbSNP rs1464938, ClinGen allele CA11631272.
Genomic context (GRCh38, chr3:192,409,717, plus strand): 5'-CGATGTTGGCTCGCGGCGGCTGAGGCTCCTGGCCGGAGCTGCCCACCATGGTCTGGCGCC[A>G]GGGGCGCAGGCGGGGCCCCTAGGCCTCCTGGGGCTACCTCGCGAGGCAGCCGAGGGCGCA-3'